The following is an entry in ClinVar:

NM_024675.4(PALB2):c.1660G>A (p.Glu554Lys)

Gene: PALB2 (partner and localizer of BRCA2; minus strand). Cytogenetic location: 16p12.2.
Variant type: single nucleotide variant.
Coding change: c.1660G>A on transcript NM_024675.4 (MANE Select); coding-DNA position 1660, G replaced by A.
Protein change: p.Glu554Lys; replaces glutamic acid 554 with lysine.
Molecular consequence: missense variant.
Genome position (GRCh38, 1-based): chr16:23,634,886, C>T on the plus strand (G>A on the coding strand, the complement: PALB2 is on the minus strand). VCF-style: chr16-23634886-C-T. GRCh37 (hg19) VCF-style: chr16-23646207-C-T.
Other names: short protein forms E554K.
Identifiers: ClinVar variation 481030 (VCV000481030.23), dbSNP rs377486858, ClinGen allele CA7963687.

ClinVar aggregate classification (germline): Conflicting classifications of pathogenicity. Review status: criteria provided, conflicting classifications (1 of 4 stars). 7 submissions from 7 submitters: Uncertain significance (5); Likely benign (2). Last evaluated 2026-09-11.

Conditions:
Hereditary cancer-predisposing syndrome. Also called: Tumor predisposition; Neoplastic Syndromes, Hereditary; Hereditary Cancer Syndrome; Hereditary neoplastic syndrome. Identifiers: Orphanet 140162, MedGen C0027672, MeSH D009386, MONDO:0015356.
Familial cancer of breast. Also called: Hereditary breast cancer; BREAST CANCER, FAMILIAL; hereditary breast carcinoma. Identifiers: Orphanet 227535, MedGen C0346153, MONDO:0016419, OMIM 114480. Disease mechanism: loss of function.

Allele frequency attached by ClinVar (database versions not stated): gnomAD 0.00001; TOPMed 0.00002; ESP Exome Variant Server 0.00008; ExAC 0.00002; gnomAD exomes 0.00001.
gnomAD v4.1: 5 of 1,613,754 alleles (0.00031%); highest among the groups gnomAD compares: Admixed American, 0.0033%; no homozygotes.

Submissions (7):

Myriad Genetics, Inc.
Classification: Likely benign for Familial cancer of breast. Last evaluated: 2026-09-11. Review status: criteria provided, single submitter. Criteria: Myriad Autosomal Dominant, Autosomal Recessive and X-Linked Classification Criteria (2023). Collection method: clinical testing. Allele origin: unknown.
Comment: This variant is considered likely benign. This variant is strongly associated with less severe personal and family histories of cancer, typical for individuals without pathogenic variants in this gene [PMID: 25085752].

Labcorp Genetics (formerly Invitae), Labcorp
Classification: Uncertain significance for Familial cancer of breast. Last evaluated: 2025-03-25. Review status: criteria provided, single submitter. Criteria: Invitae Variant Classification Sherloc (09022015). Collection method: clinical testing. Allele origin: germline.
Comment: This sequence change replaces glutamic acid, which is acidic and polar, with lysine, which is basic and polar, at codon 554 of the PALB2 protein (p.Glu554Lys). This variant is present in population databases (rs377486858, gnomAD 0.007%). This variant has not been reported in the literature in individuals affected with PALB2-related conditions. ClinVar contains an entry for this variant (Variation ID: 481030). Invitae Evidence Modeling of protein sequence and biophysical properties (such as structural, functional, and spatial information, amino acid conservation, physicochemical variation, residue mobility, and thermodynamic stability) indicates that this missense variant is not expected to disrupt PALB2 protein function with a negative predictive value of 80%. In summary, the available evidence is currently insufficient to determine the role of this variant in disease. Therefore, it has been classified as a Variant of Uncertain Significance.

Center for Genomic Medicine, Rigshospitalet, Copenhagen University Hospital
Classification: Uncertain significance. Last evaluated: 2025-03-04. Review status: criteria provided, single submitter. Criteria: ACMG Guidelines, 2015. Collection method: clinical testing. Allele origin: germline.

Blueprint Genetics
Classification: Uncertain significance. Last evaluated: 2024-04-16. Review status: criteria provided, single submitter. Criteria: ACMG Guidelines, 2015. Collection method: clinical testing. Allele origin: germline.

GeneDx
Classification: Uncertain significance. Last evaluated: 2023-03-21. Review status: criteria provided, single submitter. Criteria: GeneDx Variant Classification Process June 2021. Collection method: clinical testing. Allele origin: germline. Affected: yes.
Comment: Not observed at a significant frequency in large population cohorts (gnomAD); In silico analysis supports that this missense variant does not alter protein structure/function; Has not been previously published as pathogenic or benign to our knowledge

Color Diagnostics, LLC DBA Color Health
Classification: Uncertain significance for Hereditary cancer-predisposing syndrome. Last evaluated: 2020-07-14. Review status: criteria provided, single submitter. Criteria: ACMG Guidelines, 2015. Collection method: clinical testing. Allele origin: germline.
Comment: This missense variant replaces glutamic acid with lysine at codon 554 of the PALB2 protein. Computational prediction suggests that this variant may not impact protein structure and function (internally defined REVEL score threshold <= 0.5, PMID: 27666373). To our knowledge, functional studies have not been reported for this variant. This variant has not been reported in individuals affected with hereditary cancer in the literature. This variant has been identified in 2/250970 chromosomes in the general population by the Genome Aggregation Database (gnomAD). The available evidence is insufficient to determine the role of this variant in disease conclusively. Therefore, this variant is classified as a Variant of Uncertain Significance.

Ambry Genetics
Classification: Likely benign for Hereditary cancer-predisposing syndrome. Last evaluated: 2018-12-21. Review status: criteria provided, single submitter. Criteria: Ambry Variant Classification Scheme 2023. Collection method: clinical testing. Allele origin: germline.

Literature cited by the submitters: PubMed 25085752 (cited by Myriad Genetics, Inc.).